The following is an entry in ClinVar:

NM_000329.3(RPE65):c.199_200insGTCGTGCTGCTGAG (p.Leu67fs)

Gene: RPE65 (retinoid isomerohydrolase RPE65; minus strand). Cytogenetic location: 1p31.3.
Variant type: Insertion.
Coding change: c.199_200insGTCGTGCTGCTGAG on transcript NM_000329.3 (MANE Select); coding-DNA positions 199 to 200, GTCGTGCTGCTGAG inserted.
Protein change: p.Leu67fs; shifts the reading frame from leucine 67.
Molecular consequence: frameshift variant. On other transcripts: 5 prime UTR variant (1), intron variant (1).
Genome position: GRCh38 VCF-style: chr1-68446755-A-ACTCAGCAGCACGAC. GRCh37 (hg19) VCF-style: chr1-68912438-A-ACTCAGCAGCACGAC.
Other names: c.199_200insGTCGTGCTGCTGAG, p.Leu67fs (NM_001406853.1, NM_001406859.1, NM_001406860.1); c.-78_-77insGTCGTGCTGCTGAG (NM_001406857.1); c.-32+1868_-32+1869insGTCGTGCTGCTGAG (NM_001406856.1); short protein forms L67fs.
Identifiers: ClinVar variation 5010360 (VCV005010360.1).

ClinVar aggregate classification (germline): Pathogenic (1 of 4 stars; one submission).

Conditions:
RPE65-related recessive retinopathy. Also called: Recessive RPE65 retinopathy. Identifiers: MedGen CN305526, MONDO:0100368.

Submission:

Myriad Genetics, Inc.
Classification: Pathogenic for RPE65-related recessive retinopathy. Last evaluated: 2024-05-14. Review status: criteria provided, single submitter. Criteria: Myriad Autosomal Dominant, Autosomal Recessive and X-Linked Classification Criteria (2023). Collection method: clinical testing. Allele origin: unknown.
Comment: NM_000329.2(RPE65):c.199_200ins14(L67Rfs*32) is expected to be pathogenic in the context of inherited retinal dystrophy, RPE65-related. This variant is predicted to lead to an abnormal or absent protein product due to the creation of a premature termination codon in RPE65, a gene where loss-of-function variants are known to be pathogenic. Please note: this variant was assessed in the context of healthy population screening.